The following is an entry in ClinVar:

NM_012469.4(PRPF6):c.2431+1G>A

Gene: PRPF6 (pre-mRNA processing factor 6; plus strand). Cytogenetic location: 20q13.33.
Variant type: single nucleotide variant.
Coding change: c.2431+1G>A on transcript NM_012469.4 (MANE Select); the canonical splice donor site of the intron after coding-DNA position 2431, G replaced by A.
Molecular consequence: splice donor variant.
Genome position (GRCh38, 1-based): chr20:64,028,570, G>A. VCF-style: chr20-64028570-G-A. GRCh37 (hg19) VCF-style: chr20-62659923-G-A.
Identifiers: ClinVar variation 2038085 (VCV002038085.4), dbSNP rs2517653033, ClinGen allele CA409742949.

ClinVar aggregate classification (germline): Uncertain significance (1 of 4 stars; one submission).

Submission:

Labcorp Genetics (formerly Invitae), Labcorp
Classification: Uncertain significance. Last evaluated: 2022-12-09. Review status: criteria provided, single submitter. Criteria: Invitae Variant Classification Sherloc (09022015). Collection method: clinical testing. Allele origin: germline.
Comment: In summary, the available evidence is currently insufficient to determine the role of this variant in disease. Therefore, it has been classified as a Variant of Uncertain Significance. Algorithms developed to predict the effect of sequence changes on RNA splicing suggest that this variant may disrupt the consensus splice site. This variant has not been reported in the literature in individuals affected with PRPF6-related conditions. This variant is not present in population databases (gnomAD no frequency). This sequence change affects a donor splice site in intron 18 of the PRPF6 gene. It is expected to disrupt RNA splicing. Variants that disrupt the donor or acceptor splice site typically lead to a loss of protein function (PMID: 16199547), however the current clinical and genetic evidence is not sufficient to establish whether loss-of-function variants in PRPF6 cause disease.

Literature cited by the submitters: PubMed 16199547.